The following is an entry in ClinVar:

ClinVar aggregate classification (germline): Likely benign. Review status: criteria provided, multiple submitters, no conflicts (2 of 4 stars). 2 submissions from 2 submitters: Likely benign (2). Last evaluated 2026-09-01.

Conditions:
Kabuki syndrome. Also called: Kabuki make-up syndrome; NIIKAWA-KUROKI SYNDROME. Identifiers: Orphanet 2322, MedGen C0796004, MONDO:0016512.

gnomAD v4.1: 29 of 1,549,928 alleles (0.0019%); highest among the groups gnomAD compares: African/African-American, 0.015%; no homozygotes.

Submissions (2):

CeGaT Center for Human Genetics Tuebingen
Classification: Likely benign. Last evaluated: 2026-09-01. Review status: criteria provided, single submitter. Criteria: CeGaT Center For Human Genetics Tuebingen Variant Classification Criteria Version 2. Collection method: clinical testing. Allele origin: germline. Affected: yes. Observed: 3 variant alleles.
Comment: KMT2D: BP4, BP7

Labcorp Genetics (formerly Invitae), Labcorp
Classification: Likely benign for Kabuki syndrome. Last evaluated: 2025-10-18. Review status: criteria provided, single submitter. Criteria: Invitae Variant Classification Sherloc (09022015). Collection method: clinical testing. Allele origin: germline.

NM_003482.4(KMT2D):c.11787A>G (p.Gln3929=)

Gene: KMT2D (lysine methyltransferase 2D; minus strand). Cytogenetic location: 12q13.12.
Variant type: single nucleotide variant.
Coding change: c.11787A>G on transcript NM_003482.4 (MANE Select); coding-DNA position 11787, A replaced by G.
Protein change: p.Gln3929=; no amino-acid change (glutamine 3929 retained).
Molecular consequence: synonymous variant.
Genome position (GRCh38, 1-based): chr12:49,032,918, T>C on the plus strand (A>G on the coding strand, the complement: KMT2D is on the minus strand). VCF-style: chr12-49032918-T-C. GRCh37 (hg19) VCF-style: chr12-49426701-T-C.
Identifiers: ClinVar variation 3677374 (VCV003677374.8).